The following is an entry in ClinVar:

ClinVar aggregate classification (germline): Pathogenic. Review status: criteria provided, multiple submitters, no conflicts (2 of 4 stars). 2 submissions from 2 submitters: Pathogenic (2). Last evaluated 2023-06-29.

Conditions:
FRAS1-related disorder. Also called: FRAS1-related condition.

Allele frequency attached by ClinVar (database versions not stated): TOPMed below 0.00001; ExAC 0.00001.
gnomAD v4.1: 3 of 1,611,286 alleles (0.00019%); highest among the groups gnomAD compares: South Asian, 0.0022%; no homozygotes.

Submissions (2):

Labcorp Genetics (formerly Invitae), Labcorp
Classification: Pathogenic. Last evaluated: 2023-06-29. Review status: criteria provided, single submitter. Criteria: Invitae Variant Classification Sherloc (09022015). Collection method: clinical testing. Allele origin: germline.
Comment: This premature translational stop signal has been observed in individual(s) with clinical features of Fraser syndrome (PMID: 32436246). For these reasons, this variant has been classified as Pathogenic. This variant is present in population databases (rs751167632, gnomAD 0.003%). This sequence change creates a premature translational stop signal (p.Arg3533*) in the FRAS1 gene. It is expected to result in an absent or disrupted protein product. Loss-of-function variants in FRAS1 are known to be pathogenic (PMID: 12766769, 18671281).

PreventionGenetics, part of Exact Sciences
Classification: Pathogenic for FRAS1-related condition. Last evaluated: 2022-12-06. Review status: criteria provided, single submitter. Criteria: ACMG Guidelines, 2015. Collection method: clinical testing. Allele origin: germline.
Comment: The FRAS1 c.10597C>T variant is predicted to result in premature protein termination (p.Arg3533*). This variant has been previously reported in the compound heterozygous state in a fetus with congenital anomalies of the kidney and urinary tract (Table 2, Lei et al. 2020. PubMed ID: 32436246). This variant is reported in 0.0030% of alleles in individuals of Latino descent in gnomAD. Nonsense variants in FRAS1 are expected to be pathogenic. This variant is interpreted as pathogenic.

Literature cited by the submitters: PubMed 32436246 (cited by Labcorp Genetics (formerly Invitae), Labcorp); PubMed 12766769 (cited by Labcorp Genetics (formerly Invitae), Labcorp); PubMed 18671281 (cited by Labcorp Genetics (formerly Invitae), Labcorp).

NM_025074.7(FRAS1):c.10597C>T (p.Arg3533Ter)

Gene: FRAS1 (Fraser extracellular matrix complex subunit 1; plus strand). Cytogenetic location: 4q21.21.
Variant type: single nucleotide variant.
Coding change: c.10597C>T on transcript NM_025074.7 (MANE Select); coding-DNA position 10597, C replaced by T.
Protein change: p.Arg3533Ter; replaces arginine 3533 with a stop codon.
Molecular consequence: nonsense.
Genome position (GRCh38, 1-based): chr4:78,521,579, C>T. VCF-style: chr4-78521579-C-T. GRCh37 (hg19) VCF-style: chr4-79442733-C-T.
Other names: short protein forms R3533*.
Identifiers: ClinVar variation 2628778 (VCV002628778.4), dbSNP rs751167632, ClinGen allele CA2979015.
Genomic context (GRCh38, chr4:78,521,579, plus strand): 5'-CCAGGAATCCAGACAGACAGCGTGCTCTCTGCAAGGCTTCAGATAATAAGAATCTACATT[C>T]GAGAGGATGGCCGTCTTGTCATTGAATTCAAGACCCATGCCAAATTCAGAGGTAATATCA-3'